The following is an entry in ClinVar:

ClinVar aggregate classification (germline): Uncertain significance (1 of 4 stars; one submission).

Conditions:
FAT4-related disorder. Also called: FAT4-related condition.

Allele frequency attached by ClinVar (database versions not stated): TOPMed 0.00001; gnomAD 0.00002.
gnomAD v4.1: 25 of 1,613,946 alleles (0.0015%); highest among the groups gnomAD compares: Non-Finnish European, 0.0019%; no homozygotes.

Submission:

PreventionGenetics, part of Exact Sciences
Classification: Uncertain significance for FAT4-related condition. Last evaluated: 2023-05-16. Review status: criteria provided, single submitter. Criteria: ACMG Guidelines, 2015. Collection method: clinical testing. Allele origin: germline.
Comment: The FAT4 c.9254A>G variant is predicted to result in the amino acid substitution p.His3085Arg. To our knowledge, this variant has not been reported in the literature. This variant is reported in 0.0040% of alleles in individuals of African descent in gnomAD. At this time, the clinical significance of this variant is uncertain due to the absence of conclusive functional and genetic evidence.

NM_001291303.3(FAT4):c.9260A>G (p.His3087Arg)

Gene: FAT4 (FAT atypical cadherin 4; plus strand). Cytogenetic location: 4q28.1.
Variant type: single nucleotide variant.
Coding change: c.9260A>G on transcript NM_001291303.3 (MANE Select); coding-DNA position 9260, A replaced by G.
Protein change: p.His3087Arg; replaces histidine 3087 with arginine.
Molecular consequence: missense variant.
Genome position (GRCh38, 1-based): chr4:125,450,270, A>G. VCF-style: chr4-125450270-A-G. GRCh37 (hg19) VCF-style: chr4-126371425-A-G.
Other names: c.9260A>G, p.His3087Arg (NM_001291285.3); c.9254A>G, p.His3085Arg (NM_024582.6); short protein forms H3085R, H3087R.
Identifiers: ClinVar variation 2633004 (VCV002633004.1), dbSNP rs1454088978, ClinGen allele CA358151122.